The following is an entry in ClinVar:

NM_005120.3(MED12):c.100_141del (p.Asp34_Asn47del)

Gene: MED12 (mediator complex subunit 12; plus strand). Cytogenetic location: Xq13.1.
Variant type: Deletion.
Coding change: c.100_141del on transcript NM_005120.3 (MANE Select); coding-DNA positions 100 to 141, 42 bases deleted.
Protein change: p.Asp34_Asn47del.
Molecular consequence: inframe deletion.
Genome position (GRCh38, 1-based): chrX:71,119,373-71,119,414, 42 bases deleted. GRCh37 (hg19): chrX:70,339,223-70,339,264.
Identifiers: ClinVar variation 92198 (VCV000092198.2), dbSNP rs199469677, ClinGen allele CA145527.

ClinVar aggregate classification (germline): not provided (0 of 4 stars; one submission).

Conditions:
Uterine leiomyoma (UL). Also called: Uterine corpus leiomyoma. Identifiers: MedGen C0042133, MONDO:0007886, OMIM 150699, HP:0000131.

Submission:

Rajkovic Lab, University of Pittsburgh
No classification provided. Condition: Leiomyoma, uterine. Review status: no classification provided. Collection method: not provided. Allele origin: somatic.
ClinVar note: Converted during submission from Associated with leiomyomas to not provided.